The following is an entry in ClinVar:

ClinVar aggregate classification (germline): Uncertain significance. Review status: criteria provided, multiple submitters, no conflicts (2 of 4 stars). 2 submissions from 2 submitters: Uncertain significance (2). Last evaluated 2026-06-28.

Conditions:
TTN-related disorder. Also called: TTN-related condition; TTN-related disease; TTN-related disorders.

Allele frequency attached by ClinVar (database versions not stated): gnomAD exomes below 0.00001; TOPMed below 0.00001; ExAC 0.00001; ESP Exome Variant Server 0.00009.
gnomAD v4.1: 1 of 1,610,758 alleles (0.000062%); highest among the groups gnomAD compares: Non-Finnish European, 0.000085%; no homozygotes.

Submissions (2):

PreventionGenetics, part of Exact Sciences
Classification: Uncertain significance for TTN-related condition. Last evaluated: 2026-06-28. Review status: criteria provided, single submitter. Criteria: ACMG Guidelines, 2015. Collection method: clinical testing. Allele origin: germline.
Comment: The TTN c.35168T>A variant is predicted to result in the amino acid substitution p.Ile11723Lys. To our knowledge, this variant has not been reported in the literature. This variant is reported in 0.00089% of alleles in individuals of European (Non-Finnish) descent in gnomAD. At this time, the clinical significance of this variant is uncertain due to the absence of conclusive functional and genetic evidence.

Revvity Omics, Revvity
Classification: Uncertain significance. Last evaluated: 2022-03-15. Review status: criteria provided, single submitter. Criteria: ACMG Guidelines, 2015. Collection method: clinical testing. Allele origin: germline.

NM_001267550.2(TTN):c.35168T>A (p.Ile11723Lys)

Gene: TTN (titin; minus strand). Cytogenetic location: 2q31.2.
Variant type: single nucleotide variant.
Coding change: c.35168T>A on transcript NM_001267550.2 (MANE Select); coding-DNA position 35168, T replaced by A.
Protein change: p.Ile11723Lys; replaces isoleucine 11723 with lysine.
Molecular consequence: missense variant. On other transcripts: intron variant (3).
Genome position (GRCh38, 1-based): chr2:178,672,030, A>T on the plus strand (T>A on the coding strand, the complement: TTN is on the minus strand). VCF-style: chr2-178672030-A-T. GRCh37 (hg19) VCF-style: chr2-179536757-A-T.
Other names: c.34046T>A, p.Ile11349Lys (NM_001256850.1); c.31265T>A, p.Ile10422Lys (NM_133378.4); c.13283-29713T>A (NM_003319.4); c.13859-29713T>A (NM_133437.4); c.13658-29713T>A (NM_133432.3); short protein forms I10422K, I11349K, I11723K.
Identifiers: ClinVar variation 2437972 (VCV002437972.4), dbSNP rs373022600, ClinGen allele CA1997903.